The following is an entry in ClinVar:

NM_024753.5(TTC21B):c.3185A>T (p.Asn1062Ile)

Gene: TTC21B (tetratricopeptide repeat domain 21B; minus strand). Cytogenetic location: 2q24.3.
Variant type: single nucleotide variant.
Coding change: c.3185A>T on transcript NM_024753.5 (MANE Select); coding-DNA position 3185, A replaced by T.
Protein change: p.Asn1062Ile; replaces asparagine 1062 with isoleucine.
Molecular consequence: missense variant.
Genome position (GRCh38, 1-based): chr2:165,890,557, T>A on the plus strand (A>T on the coding strand, the complement: TTC21B is on the minus strand). VCF-style: chr2-165890557-T-A. GRCh37 (hg19) VCF-style: chr2-166747067-T-A.
Other names: short protein forms N1062I.
Identifiers: ClinVar variation 4992171 (VCV004992171.1).
Genomic context (GRCh38, chr2:165,890,557, plus strand): 5'-TTTTCAAATACTTCACCTCCAACAGTTTCATTATCTGGATTCAAACAGATCTCTATCATA[T>A]TATAAAGGGCATTTTGGCCCCAGTCACGATCTTTCCGAGCTTTATTAAAATGTCGAAGGG-3'
Protein context (NP_079029.3, residues 1052-1072): DRDWGQNALY[Asn1062Ile]MIEICLNPDN

ClinVar aggregate classification (germline): Uncertain significance (1 of 4 stars; one submission).

Conditions:
TTC21B-related disorder. Also called: TTC21B-related disorders; TTC21B-related condition.

Submission:

PreventionGenetics, part of Exact Sciences
Classification: Uncertain significance for TTC21B-related condition. Last evaluated: 2025-12-04. Review status: criteria provided, single submitter. Criteria: ACMG Guidelines, 2015. Collection method: clinical testing. Allele origin: germline.
Comment: The TTC21B c.3185A>T variant is predicted to result in the amino acid substitution p.Asn1062Ile. To our knowledge, this variant has not been reported in the literature or in a large population database (gnomAD), indicating this variant is rare. At this time, the clinical significance of this variant is uncertain due to the absence of conclusive functional and genetic evidence.